The following is an entry in ClinVar:

ClinVar aggregate classification (germline): Uncertain significance (1 of 4 stars; one submission).

Submission:

Labcorp Genetics (formerly Invitae), Labcorp
Classification: Uncertain significance. Last evaluated: 2025-07-30. Review status: criteria provided, single submitter. Criteria: Invitae Variant Classification Sherloc (09022015). Collection method: clinical testing. Allele origin: germline.
Comment: This sequence change affects an acceptor splice site in intron 5 of the LIPG gene. It is expected to disrupt RNA splicing. Variants that disrupt the donor or acceptor splice site typically lead to a loss of protein function (PMID: 16199547), however the current clinical and genetic evidence is not sufficient to establish whether loss-of-function variants in LIPG cause disease. This variant is not present in population databases (gnomAD no frequency). This variant has not been reported in the literature in individuals affected with LIPG-related conditions. ClinVar contains an entry for this variant (Variation ID: 1450221). Algorithms developed to predict the effect of sequence changes on RNA splicing suggest that this variant may disrupt the consensus splice site. In summary, the available evidence is currently insufficient to determine the role of this variant in disease. Therefore, it has been classified as a Variant of Uncertain Significance.

Literature cited by the submitters: PubMed 16199547.

NM_006033.4(LIPG):c.794-1G>A

Gene: LIPG (lipase G, endothelial type; plus strand). Cytogenetic location: 18q21.1.
Variant type: single nucleotide variant.
Coding change: c.794-1G>A on transcript NM_006033.4 (MANE Select); the canonical splice acceptor site of the intron before coding-DNA position 794, G replaced by A.
Molecular consequence: splice acceptor variant.
Genome position (GRCh38, 1-based): chr18:49,581,414, G>A. VCF-style: chr18-49581414-G-A. GRCh37 (hg19) VCF-style: chr18-47107784-G-A.
Other names: c.572-1G>A (NM_001308006.2).
Identifiers: ClinVar variation 1450221 (VCV001450221.8), dbSNP rs746455531, ClinGen allele CA402420630.
Genomic context (GRCh38, chr18:49,581,414, plus strand): 5'-TTGAGTGTCTAATCATCAAGAAGGGCTCATCCTGCATGCTTTTTATCTCTCCCACCCCCA[G>A]CAATCACAGAGGTGGTAAAATGTGAGCATGAGCGAGCCGTCCACCTCTTTGTTGACTCTC-3'